The following is an entry in ClinVar:

ClinVar aggregate classification (germline): Uncertain significance (1 of 4 stars; one submission).

Submission:

Labcorp Genetics (formerly Invitae), Labcorp
Classification: Uncertain significance. Last evaluated: 2022-07-19. Review status: criteria provided, single submitter. Criteria: Invitae Variant Classification Sherloc (09022015). Collection method: clinical testing. Allele origin: germline.
Comment: Algorithms developed to predict the effect of missense changes on protein structure and function are either unavailable or do not agree on the potential impact of this missense change (SIFT: "Deleterious"; PolyPhen-2: "Benign"; Align-GVGD: "Class C25"). ClinVar contains an entry for this variant (Variation ID: 1004152). This missense change has been observed in individual(s) with inherited retinal dystrophy (Invitae). This variant is not present in population databases (gnomAD no frequency). This sequence change replaces valine, which is neutral and non-polar, with leucine, which is neutral and non-polar, at codon 1299 of the RIMS1 protein (p.Val1299Leu). In summary, the available evidence is currently insufficient to determine the role of this variant in disease. Therefore, it has been classified as a Variant of Uncertain Significance.

NM_014989.7(RIMS1):c.3895G>T (p.Val1299Leu)

Gene: RIMS1 (regulating synaptic membrane exocytosis 1; plus strand). Cytogenetic location: 6q13.
Variant type: single nucleotide variant.
Coding change: c.3895G>T on transcript NM_014989.7 (MANE Select); coding-DNA position 3895, G replaced by T.
Protein change: p.Val1299Leu; replaces valine 1299 with leucine.
Molecular consequence: missense variant. On other transcripts: intron variant (24).
Genome position (GRCh38, 1-based): chr6:72,307,302, G>T. VCF-style: chr6-72307302-G-T. GRCh37 (hg19) VCF-style: chr6-73017005-G-T.
Other names: c.1573G>T, p.Val525Leu (NM_001350466.2); c.1462G>T, p.Val488Leu (NM_001350467.2); c.1387G>T, p.Val463Leu (NM_001350468.2); c.1615G>T, p.Val539Leu (NM_001350469.2); c.1696G>T, p.Val566Leu (NM_001350471.2); c.1588G>T, p.Val530Leu (NM_001350474.2); c.1744+15256G>T (NM_001350428.2); c.1672+15256G>T (NM_001350424.2); and 51 more; short protein forms V1299L, V463L, V488L, V514L, V515L, V525L, V530L, V538L.
Identifiers: ClinVar variation 1004152 (VCV001004152.8), dbSNP rs2095258165, ClinGen allele CA364690350.
Genomic context (GRCh38, chr6:72,307,302, plus strand): 5'-TTATGTGTTTTTGCAGCAAGCTTAGTAGTGGAGGAGCGAACAAGACAGATGAAAATGAAA[G>T]TGCATCGATTTAAGCAGACAACAGGGTCTGGTTCTAGTCAAGAACTTGATCGCGAGCAAT-3'
Protein context (NP_055804.2, residues 1289-1309): EERTRQMKMK[Val1299Leu]HRFKQTTGSG